The following is an entry in ClinVar:

NM_130466.4(UBE3B):c.1239_1282+14delinsTA

Gene: UBE3B (ubiquitin protein ligase E3B; plus strand). Cytogenetic location: 12q24.11.
Variant type: Indel.
Coding change: c.1239_1282+14delinsTA on transcript NM_130466.4 (MANE Select); coding-DNA position 1239 through 14 bases into the intron after coding-DNA position 1282, the reference bases replaced by TA.
Molecular consequence: splice donor variant.
Genome position (GRCh38, 1-based): chr12:109,501,491-109,501,548, 58 bases replaced. GRCh37 (hg19): chr12:109,939,296-109,939,353.
Other names: c.1239_1282+14delinsTA (NM_183415.3).
Identifiers: ClinVar variation 3387763 (VCV003387763.2).

ClinVar aggregate classification (germline): Likely pathogenic (1 of 4 stars; one submission).

Conditions:
Oculocerebrofacial syndrome, Kaufman type. Also called: Blepharophimosis-ptosis-intellectual disability syndrome. Identifiers: Orphanet 2707, MedGen C1855663, MONDO:0009485, OMIM 244450.

Submission:

Suma Genomics
Classification: Likely pathogenic for Oculocerebrofacial syndrome, Kaufman type. Review status: criteria provided, single submitter. Criteria: ACMG Guidelines, 2015. Collection method: clinical testing. Allele origin: germline. Inheritance: Autosomal recessive inheritance. Affected: yes. Observed: 1 homozygote.
Comment: A deletion-insertion variant c.1239_1282+14delinsTA (g.109501491_109501548delinsTA) is observed at the exon 13 and intron 13 boundary of UBE3B in homozygous state. This variant is not observed in the gnomAD database. ACMG classification: Likely pathogenic Criteria met: PVS1 and PM2_Supporting